The following is an entry in ClinVar:

NM_004990.4(MARS1):c.1194C>T (p.Asp398=)

Gene: MARS1 (methionyl-tRNA synthetase 1; plus strand). Cytogenetic location: 12q13.3.
Variant type: single nucleotide variant.
Coding change: c.1194C>T on transcript NM_004990.4 (MANE Select); coding-DNA position 1194, C replaced by T.
Protein change: p.Asp398=; no amino-acid change (aspartic acid 398 retained).
Molecular consequence: synonymous variant.
Genome position (GRCh38, 1-based): chr12:57,500,423, C>T. VCF-style: chr12-57500423-C-T. GRCh37 (hg19) VCF-style: chr12-57894206-C-T.
Identifiers: ClinVar variation 386024 (VCV000386024.4), dbSNP rs1057522398, ClinGen allele CA16606583.

ClinVar aggregate classification (germline): Likely benign. Review status: criteria provided, multiple submitters, no conflicts (2 of 4 stars). 3 submissions from 3 submitters: Likely benign (3). Last evaluated 2025-07-23.

Conditions:
Charcot-Marie-Tooth disease axonal type 2U. Also called: CHARCOT-MARIE-TOOTH NEUROPATHY, TYPE 2U; CHARCOT-MARIE-TOOTH DISEASE, AXONAL, AUTOSOMAL DOMINANT, TYPE 2U. Identifiers: Orphanet 397735, MedGen C4084821, MONDO:0014566, OMIM 616280.
Severe early-onset pulmonary alveolar proteinosis due to MARS deficiency. Also called: PULMONARY ALVEOLAR PROTEINOSIS, REUNION ISLAND; Interstitial lung and liver disease. Identifiers: Orphanet 440427, MedGen C4225400, MONDO:0014206, OMIM 615486.

Allele frequency attached by ClinVar (database versions not stated): gnomAD exomes below 0.00001 and 0.00001; gnomAD 0.00001; TOPMed 0.00001.
gnomAD v4.1: 21 of 1,614,046 alleles (0.0013%); highest among the groups gnomAD compares: Non-Finnish European, 0.0017%; no homozygotes.

Submissions (3):

Labcorp Genetics (formerly Invitae), Labcorp
Classification: Likely benign for Charcot-Marie-Tooth disease axonal type 2U; Severe early-onset pulmonary alveolar proteinosis due to MARS deficiency. Last evaluated: 2025-07-23. Review status: criteria provided, single submitter. Criteria: Invitae Variant Classification Sherloc (09022015). Collection method: clinical testing. Allele origin: germline.

Ambry Genetics
Classification: Likely benign. Last evaluated: 2019-07-11. Review status: criteria provided, single submitter. Criteria: Ambry Variant Classification Scheme 2023. Collection method: clinical testing. Allele origin: germline.

GeneDx
Classification: Likely benign. Last evaluated: 2016-05-24. Review status: criteria provided, single submitter. Criteria: GeneDx Variant Classification (06012015). Collection method: clinical testing. Allele origin: germline. Affected: yes.
Comment: This variant is considered likely benign or benign based on one or more of the following criteria: it is a conservative change, it occurs at a poorly conserved position in the protein, it is predicted to be benign by multiple in silico algorithms, and/or has population frequency not consistent with disease.